The following is an entry in ClinVar:

ClinVar aggregate classification (germline): Uncertain significance (1 of 4 stars; one submission).

Conditions:
Primary ciliary dyskinesia 28. Also called: CILIARY DYSKINESIA, PRIMARY, 28, WITH OR WITHOUT SITUS INVERSUS. Identifiers: Orphanet 244, MedGen C3809706, MONDO:0014216, OMIM 615505.

Submission:

Labcorp Genetics (formerly Invitae), Labcorp
Classification: Uncertain significance for Primary ciliary dyskinesia 28. Last evaluated: 2023-07-03. Review status: criteria provided, single submitter. Criteria: Invitae Variant Classification Sherloc (09022015). Collection method: clinical testing. Allele origin: germline.
Comment: In summary, the available evidence is currently insufficient to determine the role of this variant in disease. Therefore, it has been classified as a Variant of Uncertain Significance. Advanced modeling of protein sequence and biophysical properties (such as structural, functional, and spatial information, amino acid conservation, physicochemical variation, residue mobility, and thermodynamic stability) performed at Invitae indicates that this missense variant is not expected to disrupt SPAG1 protein function. ClinVar contains an entry for this variant (Variation ID: 1926088). This variant has not been reported in the literature in individuals affected with SPAG1-related conditions. This variant is not present in population databases (gnomAD no frequency). This sequence change replaces isoleucine, which is neutral and non-polar, with valine, which is neutral and non-polar, at codon 99 of the SPAG1 protein (p.Ile99Val).

NM_003114.5(SPAG1):c.295A>G (p.Ile99Val)

Gene: SPAG1 (sperm associated antigen 1; plus strand). Cytogenetic location: 8q22.2.
Variant type: single nucleotide variant.
Coding change: c.295A>G on transcript NM_003114.5 (MANE Select); coding-DNA position 295, A replaced by G.
Protein change: p.Ile99Val; replaces isoleucine 99 with valine.
Molecular consequence: missense variant.
Genome position (GRCh38, 1-based): chr8:100,165,968, A>G. VCF-style: chr8-100165968-A-G. GRCh37 (hg19) VCF-style: chr8-101178196-A-G.
Other names: c.295A>G, p.Ile99Val (NM_001374321.1, NM_172218.3); short protein forms I99V.
Identifiers: ClinVar variation 1926088 (VCV001926088.5), dbSNP rs2489280890, ClinGen allele CA371819899.